The following is an entry in ClinVar:

ClinVar aggregate classification (germline): Uncertain significance (1 of 4 stars; one submission).

Conditions:
Symmetrical dyschromatosis of extremities (DSH). Also called: DYSCHROMATOSIS SYMMETRICA HEREDITARIA 1; Dyschromatosis symmetrica hereditaria; RETICULATE ACROPIGMENTATION OF DOHI; SYMMETRIC DYSCHROMATOSIS OF THE EXTREMITIES. Identifiers: Orphanet 41, MedGen C0406775, MONDO:0007483, OMIM 127400.
Aicardi-Goutieres syndrome 6 (AGS6). Identifiers: Orphanet 51, MedGen C3539013, MONDO:0014007, OMIM 615010.

Submission:

Labcorp Genetics (formerly Invitae), Labcorp
Classification: Uncertain significance for Aicardi-Goutieres syndrome 6; Symmetrical dyschromatosis of extremities. Last evaluated: 2022-07-22. Review status: criteria provided, single submitter. Criteria: Invitae Variant Classification Sherloc (09022015). Collection method: clinical testing. Allele origin: germline.
Comment: In summary, the available evidence is currently insufficient to determine the role of this variant in disease. Therefore, it has been classified as a Variant of Uncertain Significance. Algorithms developed to predict the effect of missense changes on protein structure and function are either unavailable or do not agree on the potential impact of this missense change (SIFT: "Deleterious"; PolyPhen-2: "Probably Damaging"; Align-GVGD: "Class C0"). This variant has not been reported in the literature in individuals affected with ADAR-related conditions. This variant is not present in population databases (gnomAD no frequency). This sequence change replaces glutamic acid, which is acidic and polar, with glycine, which is neutral and non-polar, at codon 795 of the ADAR protein (p.Glu795Gly).

NM_001111.5(ADAR):c.2384A>G (p.Glu795Gly)

Gene: ADAR (adenosine deaminase RNA specific; minus strand). Cytogenetic location: 1q21.3.
Variant type: single nucleotide variant.
Coding change: c.2384A>G on transcript NM_001111.5 (MANE Select); coding-DNA position 2384, A replaced by G.
Protein change: p.Glu795Gly; replaces glutamic acid 795 with glycine.
Molecular consequence: missense variant.
Genome position (GRCh38, 1-based): chr1:154,590,296, T>C on the plus strand (A>G on the coding strand, the complement: ADAR is on the minus strand). VCF-style: chr1-154590296-T-C. GRCh37 (hg19) VCF-style: chr1-154562772-T-C.
Other names: c.1499A>G, p.Glu500Gly (NM_001365049.1, NM_001025107.3, NM_001193495.2 and 3 more transcripts); c.2384A>G, p.Glu795Gly (NM_015840.4); c.2327A>G, p.Glu776Gly (NM_015841.4); c.2411A>G, p.Glu804Gly (NM_001365045.1); short protein forms E500G, E776G, E795G, E804G.
Identifiers: ClinVar variation 1931642 (VCV001931642.5), dbSNP rs2526524038, ClinGen allele CA342637371.